The following is an entry in ClinVar:

ClinVar aggregate classification (germline): Conflicting classifications of pathogenicity. Review status: criteria provided, conflicting classifications (1 of 4 stars). 2 submissions from 2 submitters: Likely pathogenic (1); Uncertain significance (1). Last evaluated 2026-04-09.

Conditions:
Muscular dystrophy, limb-girdle, autosomal recessive 23. Identifiers: Orphanet 565837, MedGen C4748327, MONDO:0029136, OMIM 618138.

Submissions (2):

Women's Health and Genetics/Laboratory Corporation of America, LabCorp
Classification: Uncertain significance. Last evaluated: 2026-04-09. Review status: criteria provided, single submitter. Criteria: LabCorp Variant Classification Summary - May 2015. Collection method: clinical testing. Allele origin: germline.
Comment: Variant summary: TRAPPC11 c.3379_3380insT (p.Asp1127ValfsX47) causes a frameshift which results in an extension of the protein and may escape nonsense mediated decay (NMD). The variant was absent in 251434 control chromosomes. c.3379_3380insT has been observed in at least one individual affected with autosomal recessive limb-girdle muscular dystrophy (Milev_2019). One publication reports experimental evidence evaluating an impact on protein function, however, does not allow convincing conclusions about the variant effect (Stanga_2019). The following publications have been ascertained in the context of this evaluation (PMID: 31575891, 32528171). ClinVar contains an entry for this variant (Variation ID: 977152). Based on the evidence outlined above, the variant was classified as uncertain significance.

Broad Center for Mendelian Genomics, Broad Institute of MIT and Harvard
Classification: Likely pathogenic for Muscular dystrophy, limb-girdle, autosomal recessive 23. Last evaluated: 2020-05-29. Review status: criteria provided, single submitter. Criteria: ACMG Guidelines, 2015. Collection method: research. Allele origin: germline. Inheritance: Autosomal recessive inheritance.
Comment: This variant was absent from large population studies. In vitro functional studies provide some evidence that the p.Asp1127ValfsTer47 variant may impact protein function (PMID: 31575891). However, these types of assays may not accurately represent biological function. This variant is predicted to cause a frameshift, which alters the proteinâ€™s amino acid sequence beginning at position 1127 and leads to a premature termination codon 47 amino acids downstream. This termination codon occurs within the last exon and is more likely to escape nonsense mediated decay (NMD) and result in a truncated protein. The presence of this variant in combination with a reported pathogenic variant, and in an individual with limb-girdle muscular dystrophy increases the likelihood that the p.Asp1127ValfsTer47 variant is pathogenic (PMID: 31575891). In summary, although additional studies are required to fully establish its clinical significance, this variant is likely pathogenic. ACMG/AMP Criteria applied: PM2, PM3, PS3_moderate (Richards 2015).

Literature cited by the submitters: PubMed 32528171 (cited by Women's Health and Genetics/Laboratory Corporation of America, LabCorp); PubMed 31575891 (cited by Women's Health and Genetics/Laboratory Corporation of America, LabCorp and Broad Center for Mendelian Genomics, Broad Institute of MIT and Harvard); PubMed 30843302 (cited by Women's Health and Genetics/Laboratory Corporation of America, LabCorp).

NM_021942.6(TRAPPC11):c.3379_3380insT (p.Asp1127fs)

Gene: TRAPPC11 (trafficking protein particle complex subunit 11; plus strand). Cytogenetic location: 4q35.1.
Variant type: Insertion.
Coding change: c.3379_3380insT on transcript NM_021942.6 (MANE Select); coding-DNA positions 3379 to 3380, T inserted.
Protein change: p.Asp1127fs; shifts the reading frame from aspartic acid 1127.
Molecular consequence: frameshift variant. On other transcripts: stop lost (1).
Genome position: GRCh38 VCF-style: chr4-183712621-G-GT. GRCh37 (hg19) VCF-style: chr4-184633774-G-GT.
Other names: c.3260_3261insT, p.Ter1087CysextTer? (NM_199053.3); short protein forms D1127fs.
Identifiers: ClinVar variation 977152 (VCV000977152.2), ClinGen allele CA792094647.